The following is an entry in ClinVar:

ClinVar aggregate classification (germline): Uncertain significance (1 of 4 stars; one submission).

Submission:

Labcorp Genetics (formerly Invitae), Labcorp
Classification: Uncertain significance. Last evaluated: 2025-04-17. Review status: criteria provided, single submitter. Criteria: Invitae Variant Classification Sherloc (09022015). Collection method: clinical testing. Allele origin: germline.
Comment: This sequence change replaces asparagine, which is neutral and polar, with serine, which is neutral and polar, at codon 436 of the ADCY10 protein (p.Asn436Ser). This variant is not present in population databases (gnomAD no frequency). This variant has not been reported in the literature in individuals affected with ADCY10-related conditions. ClinVar contains an entry for this variant (Variation ID: 2114368). An algorithm developed to predict the effect of missense changes on protein structure and function outputs the following: PolyPhen-2: "Benign". The serine amino acid residue is found in multiple mammalian species, which suggests that this missense change does not adversely affect protein function. In summary, the available evidence is currently insufficient to determine the role of this variant in disease. Therefore, it has been classified as a Variant of Uncertain Significance.

NM_018417.6(ADCY10):c.1307A>G (p.Asn436Ser)

Genes: ADCY10 (adenylate cyclase 10; minus strand), DCAF6 (DDB1 and CUL4 associated factor 6; plus strand). Cytogenetic location: 1q24.2.
Variant type: single nucleotide variant.
Coding change: c.1307A>G on transcript NM_018417.6 (MANE Select); coding-DNA position 1307, A replaced by G.
Protein change: p.Asn436Ser; replaces asparagine 436 with serine.
Molecular consequence: missense variant.
Genome position (GRCh38, 1-based): chr1:167,878,545, T>C on the plus strand (A>G on the coding strand, the complement: ADCY10 is on the minus strand). VCF-style: chr1-167878545-T-C. GRCh37 (hg19) VCF-style: chr1-167847783-T-C.
Other names: c.848A>G, p.Asn283Ser (NM_001167749.3); c.1031A>G, p.Asn344Ser (NM_001297772.2); short protein forms N436S, N283S, N344S.
Identifiers: ClinVar variation 2114368 (VCV002114368.4), dbSNP rs2525685586, ClinGen allele CA343097764.